The following is an entry in ClinVar:

NM_001371623.1(TCOF1):c.3518-51C>G

Gene: TCOF1 (treacle ribosome biogenesis factor 1; plus strand). Cytogenetic location: 5q32.
Variant type: single nucleotide variant.
Coding change: c.3518-51C>G on transcript NM_001371623.1 (MANE Select); 51 bases into the intron before coding-DNA position 3518, C replaced by G.
Molecular consequence: intron variant.
Genome position (GRCh38, 1-based): chr5:150,392,654, C>G. VCF-style: chr5-150392654-C-G. GRCh37 (hg19) VCF-style: chr5-149772217-C-G.
Other names: c.3518-54C>G (NM_001135243.2); c.3404-51C>G (NM_001135244.2); c.3404-54C>G (NM_001195141.2); c.3287-51C>G (NM_001135245.2); c.3287-54C>G (NM_000356.4).
Identifiers: ClinVar variation 3776198 (VCV003776198.1).

ClinVar aggregate classification (germline): Uncertain significance (1 of 4 stars; one submission).

Conditions:
Treacher Collins syndrome 1 (TCS1). Also called: TCOF1-Related Treacher Collins Syndrome. Identifiers: Orphanet 861, MedGen CN315775, MONDO:0007944, OMIM 154500.

Submission:

3billion
Classification: Uncertain significance for Treacher Collins syndrome 1. Last evaluated: 2023-09-08. Review status: criteria provided, single submitter. Criteria: ACMG Guidelines, 2015. Collection method: clinical testing. Allele origin: germline. Affected: yes.
Comment: The variant is not observed in the gnomAD v2.1.1 dataset. Predicted Consequence/Location: Intron variant Deep intron variant predicted in silico to alter splicing. However, the prediction score(Splice AI :0.19) is not significant and therefore functional studies should be performed to observe the exact consequence. Therefore, this variant is classified as VUS according to the recommendation of ACMG/AMP guideline.